The following is an entry in ClinVar:

ClinVar aggregate classification (germline): Conflicting classifications of pathogenicity. Review status: criteria provided, conflicting classifications (1 of 4 stars). 2 submissions from 2 submitters: Uncertain significance (1); Likely benign (1). Last evaluated 2023-03-23.

Conditions:
Hereditary cancer-predisposing syndrome. Also called: Hereditary Cancer Syndrome; Tumor predisposition; Neoplastic Syndromes, Hereditary; Hereditary neoplastic syndrome. Identifiers: Orphanet 140162, MedGen C0027672, MeSH D009386, MONDO:0015356.

Submissions (2):

University of Washington Department of Laboratory Medicine, University of Washington
Classification: Likely benign for Hereditary cancer-predisposing syndrome. Last evaluated: 2023-03-23. Review status: criteria provided, single submitter. Criteria: Dines et al. (Genet Med. 2020). Collection method: curation. Allele origin: germline.
Comment: Missense variant in a coldspot region where missense variants are very unlikely to be pathogenic (PMID:31911673).

BRCA2 exon 11 coldspot. Reclassification based on statistical prior probability.

Quest Diagnostics Nichols Institute San Juan Capistrano
Classification: Uncertain significance. Last evaluated: 2021-05-21. Review status: criteria provided, single submitter. Criteria: Quest Diagnostics criteria. Collection method: clinical testing. Allele origin: unknown.

NM_000059.4(BRCA2):c.4060A>T (p.Thr1354Ser)

Gene: BRCA2 (BRCA2 DNA repair associated; plus strand). Cytogenetic location: 13q13.1.
Variant type: single nucleotide variant.
Coding change: c.4060A>T on transcript NM_000059.4 (MANE Select); coding-DNA position 4060, A replaced by T.
Protein change: p.Thr1354Ser; replaces threonine 1354 with serine.
Molecular consequence: missense variant.
Genome position (GRCh38, 1-based): chr13:32,338,415, A>T. VCF-style: chr13-32338415-A-T. GRCh37 (hg19) VCF-style: chr13-32912552-A-T.
Other names: short protein forms T1354S.
Identifiers: ClinVar variation 1330131 (VCV001330131.3), dbSNP rs2137502543, ClinGen allele CA387779132.